The following is an entry in ClinVar:

ClinVar aggregate classification (germline): Uncertain significance. Review status: criteria provided, multiple submitters, no conflicts (2 of 4 stars). 2 submissions from 2 submitters: Uncertain significance (2). Last evaluated 2023-04-07.

Conditions:
Hereditary nonpolyposis colorectal neoplasms. Identifiers: MedGen C0009405, MeSH D003123.
Hereditary cancer-predisposing syndrome. Also called: Hereditary neoplastic syndrome; Hereditary Cancer Syndrome; Neoplastic Syndromes, Hereditary; Tumor predisposition. Identifiers: Orphanet 140162, MedGen C0027672, MeSH D009386, MONDO:0015356.

Submissions (2):

Ambry Genetics
Classification: Uncertain significance for Hereditary cancer-predisposing syndrome. Last evaluated: 2023-04-07. Review status: criteria provided, single submitter. Criteria: Ambry Variant Classification Scheme 2023. Collection method: clinical testing. Allele origin: germline.
Comment: The p.T906S variant (also known as c.2716A>T), located in coding exon 4 of the MSH6 gene, results from an A to T substitution at nucleotide position 2716. The threonine at codon 906 is replaced by serine, an amino acid with similar properties. This amino acid position is conserved. In addition, this alteration is predicted to be tolerated by in silico analysis. Since supporting evidence is limited at this time, the clinical significance of this alteration remains unclear.

Labcorp Genetics (formerly Invitae), Labcorp
Classification: Uncertain significance for Hereditary nonpolyposis colorectal neoplasms. Last evaluated: 2022-12-27. Review status: criteria provided, single submitter. Criteria: Invitae Variant Classification Sherloc (09022015). Collection method: clinical testing. Allele origin: germline.
Comment: This variant has not been reported in the literature in individuals affected with MSH6-related conditions. This variant is not present in population databases (gnomAD no frequency). This sequence change replaces threonine, which is neutral and polar, with serine, which is neutral and polar, at codon 906 of the MSH6 protein (p.Thr906Ser). Advanced modeling of protein sequence and biophysical properties (such as structural, functional, and spatial information, amino acid conservation, physicochemical variation, residue mobility, and thermodynamic stability) performed at Invitae indicates that this missense variant is not expected to disrupt MSH6 protein function. In summary, the available evidence is currently insufficient to determine the role of this variant in disease. Therefore, it has been classified as a Variant of Uncertain Significance.

NM_000179.3(MSH6):c.2716A>T (p.Thr906Ser)

Gene: MSH6 (mutS homolog 6; plus strand). Cytogenetic location: 2p16.3.
Variant type: single nucleotide variant.
Coding change: c.2716A>T on transcript NM_000179.3 (MANE Select); coding-DNA position 2716, A replaced by T.
Protein change: p.Thr906Ser; replaces threonine 906 with serine.
Molecular consequence: missense variant. On other transcripts: non-coding transcript variant (5), intron variant (2).
Genome position (GRCh38, 1-based): chr2:47,800,699, A>T. VCF-style: chr2-47800699-A-T. GRCh37 (hg19) VCF-style: chr2-48027838-A-T.
Other names: c.2326A>T, p.Thr776Ser (NM_001281492.2); c.1810A>T, p.Thr604Ser (NM_001281493.2, NM_001281494.2, NM_001406811.1 and 6 more transcripts); c.2812A>T, p.Thr938Ser (NM_001406795.1, NM_001406802.1); c.2716A>T, p.Thr906Ser (NM_001406796.1, NM_001406798.1, NM_001406800.1 and 2 more transcripts); c.2419A>T, p.Thr807Ser (NM_001406797.1, NM_001406801.1, NM_001406805.1 and 10 more transcripts); c.2191A>T, p.Thr731Ser (NM_001406799.1, NM_001406806.1, NM_001406807.1); c.2638A>T, p.Thr880Ser (NM_001406804.1); c.2722A>T, p.Thr908Ser (NM_001406813.1); and 4 more; short protein forms T604S, T807S, T850S, T731S, T776S, T906S, T938S, T880S.
Identifiers: ClinVar variation 2567462 (VCV002567462.5), dbSNP rs2104420580, ClinGen allele CA346755348.
Genomic context (GRCh38, chr2:47,800,699, plus strand): 5'-ATCCTTAAGCAGGTCATCTCTCTGCAGACAAAAAATCCTGAAGGTCGTTTTCCTGATTTG[A>T]CTGTAGAATTGAACCGATGGGATACAGCCTTTGACCATGAAAAGGCTCGAAAGACTGGAC-3'
Protein context (NP_000170.1, residues 896-916): KNPEGRFPDL[Thr906Ser]VELNRWDTAF